The following is an entry in ClinVar:

ClinVar aggregate classification (germline): Uncertain significance. Review status: criteria provided, multiple submitters, no conflicts (2 of 4 stars). 2 submissions from 2 submitters: Uncertain significance (2). Last evaluated 2025-04-21.

Conditions:
Inborn genetic diseases. Identifiers: MedGen C0950123, MeSH D030342.
Mosaic variegated aneuploidy syndrome 2 (MVA2). Identifiers: Orphanet 1052, MedGen C3279843, MONDO:0013582, OMIM 614114.

gnomAD v4.1: 3 of 1,612,258 alleles (0.00019%); highest among the groups gnomAD compares: Middle Eastern, 0.02%; no homozygotes.

Submissions (2):

Ambry Genetics
Classification: Uncertain significance for Inborn genetic diseases. Last evaluated: 2025-04-21. Review status: criteria provided, single submitter. Criteria: Ambry Variant Classification Scheme 2023. Collection method: clinical testing. Allele origin: germline.
Comment: The p.N126K variant (also known as c.378T>G), located in coding exon 3 of the CEP57 gene, results from a T to G substitution at nucleotide position 378. The asparagine at codon 126 is replaced by lysine, an amino acid with similar properties. This amino acid position is conserved. In addition, this alteration is predicted to be tolerated by in silico analysis. Based on the available evidence, the clinical significance of this variant remains unclear.

Labcorp Genetics (formerly Invitae), Labcorp
Classification: Uncertain significance for Mosaic variegated aneuploidy syndrome 2. Last evaluated: 2024-06-05. Review status: criteria provided, single submitter. Criteria: Invitae Variant Classification Sherloc (09022015). Collection method: clinical testing. Allele origin: germline.
Comment: This sequence change replaces asparagine, which is neutral and polar, with lysine, which is basic and polar, at codon 126 of the CEP57 protein (p.Asn126Lys). This variant is not present in population databases (gnomAD no frequency). This variant has not been reported in the literature in individuals affected with CEP57-related conditions. Advanced modeling of protein sequence and biophysical properties (such as structural, functional, and spatial information, amino acid conservation, physicochemical variation, residue mobility, and thermodynamic stability) performed at Invitae indicates that this missense variant is not expected to disrupt CEP57 protein function with a negative predictive value of 80%. In summary, the available evidence is currently insufficient to determine the role of this variant in disease. Therefore, it has been classified as a Variant of Uncertain Significance.

NM_014679.5(CEP57):c.378T>G (p.Asn126Lys)

Gene: CEP57 (centrosomal protein 57; plus strand). Cytogenetic location: 11q21.
Variant type: single nucleotide variant.
Coding change: c.378T>G on transcript NM_014679.5 (MANE Select); coding-DNA position 378, T replaced by G.
Protein change: p.Asn126Lys; replaces asparagine 126 with lysine.
Molecular consequence: missense variant.
Genome position (GRCh38, 1-based): chr11:95,813,107, T>G. VCF-style: chr11-95813107-T-G. GRCh37 (hg19) VCF-style: chr11-95546271-T-G.
Other names: c.351T>G, p.Asn117Lys (NM_001243776.2); c.378T>G, p.Asn126Lys (NM_001243777.2); c.297T>G, p.Asn99Lys (NM_001363604.2); c.378T>G (NM_014679.4); short protein forms N126K, N99K, N117K.
Identifiers: ClinVar variation 3704656 (VCV003704656.3).
Genomic context (GRCh38, chr11:95,813,107, plus strand): 5'-AGTACTGGATGAACAGATACAAGAAAGGGAGAATTCAAAGAATGAGGAATCAAAGCACAA[T>G]CAAGGTTTGTTGATGAAGAAAATTAAAATTCTATCAAAATAAGTGTTGTGCAGTATTAAG-3'
Protein context (NP_055494.2, residues 116-136): ENSKNEESKH[Asn126Lys]QELTSQLLAA